The following is an entry in ClinVar:

ClinVar aggregate classification (germline): Uncertain significance (1 of 4 stars; one submission).

Conditions:
PLOD1-related disorder. Also called: PLOD1-related condition.

gnomAD v4.1: 1 of 1,614,102 alleles (0.000062%); highest among the groups gnomAD compares: Non-Finnish European, 0.000085%; no homozygotes.

Submission:

PreventionGenetics, part of Exact Sciences
Classification: Uncertain significance for PLOD1-related condition. Last evaluated: 2024-12-04. Review status: criteria provided, single submitter. Criteria: ACMG Guidelines, 2015. Collection method: clinical testing. Allele origin: germline.
Comment: The PLOD1 c.1966C>T variant is predicted to result in the amino acid substitution p.His656Tyr. To our knowledge, this variant has not been reported in the literature or in a large population database (gnomAD), indicating this variant is rare. At this time, the clinical significance of this variant is uncertain due to the absence of conclusive functional and genetic evidence.

NM_000302.4(PLOD1):c.1966C>T (p.His656Tyr)

Gene: PLOD1 (procollagen-lysine,2-oxoglutarate 5-dioxygenase 1; plus strand). Cytogenetic location: 1p36.22.
Variant type: single nucleotide variant.
Coding change: c.1966C>T on transcript NM_000302.4 (MANE Select); coding-DNA position 1966, C replaced by T.
Protein change: p.His656Tyr; replaces histidine 656 with tyrosine.
Molecular consequence: missense variant.
Genome position (GRCh38, 1-based): chr1:11,972,935, C>T. VCF-style: chr1-11972935-C-T. GRCh37 (hg19) VCF-style: chr1-12032992-C-T.
Other names: c.2107C>T, p.His703Tyr (NM_001316320.2); short protein forms H656Y, H703Y.
Identifiers: ClinVar variation 5002572 (VCV005002572.1).